The following continues an entry in ClinVar:

NM_000350.3(ABCA4):c.2588G>C (p.Gly863Ala)

Gene: ABCA4. ClinVar aggregate classification (germline): Uncertain significance. Uncertain significance (1).

Submissions 27 to 48 of 53:

Laboratory for Molecular Medicine, Mass General Brigham Personalized Medicine
Classification: Pathogenic for Stargardt disease. Last evaluated: 2018-04-10. Review status: criteria provided, single submitter. Criteria: LMM Criteria. Collection method: clinical testing. Allele origin: germline. Inheritance: Autosomal recessive inheritance. Observed: 4 variant alleles. Not counted in ClinVar's aggregate classification.
Comment: The p.Gly863Ala variant in ABCA4 has been reported in >25 individuals with Starg ardt disease in compound heterozygous state with a second ABCA4 variant (Allikme ts 1997, Maugeri 1999, Zhang 1999, Heathfield 2013), and segregated with disease in 3 affected relatives in one family (Zhang 1999). Available evidence suggests that p.Gly863Ala is a mild variant and causes disease when there is a severe va riant on the other allele. This variant has also been identified in 0.79% (998/1 26588) of European chromosomes by the Genome Aggregation Consortium (gnomAD; dbSNP rs76157638). This frequency is consistent w ith the p.Gly863Ala variant being one of the most common ABCA4 variants in patie nts with Stargardt disease in the European population. This variant was demonstr ated to cause aberrant splicing and lead to deletion of the glycine residue at p osition 863 (p.Gly863del) in half of the transcripts from this allele and the mi ssense p.Gly863Ala change in the other half in patient cells (Maugeri 1999). Bot h of these variants had impaired protein activity in in vitro studies (Maugeri 1 999, Sun 2000, Suarez 2002). In summary, this variant meets our criteria to be c lassified as pathogenic for Stargardt disease in an autosomal recessive manner b ased upon its co-occurrence in trans with other pathogenic variants in patients and functional evidence. ACMG/AMP Criteria applied: PM3_Very Strong, PS3_Moderat e, PP1.

Eurofins Ntd Llc (ga)
Classification: Pathogenic. Last evaluated: 2016-05-18. Review status: criteria provided, single submitter. Criteria: EGL Classification Definitions 2015. Collection method: clinical testing. Allele origin: germline. Observed: 15 variant alleles, 15 heterozygotes. Not counted in ClinVar's aggregate classification.

Knight Diagnostic Laboratories, Oregon Health and Sciences University
Classification: Likely pathogenic for Cone-rod dystrophy 3. Last evaluated: 2015-10-23. Review status: criteria provided, single submitter. Criteria: ACMG Guidelines, 2015. Collection method: clinical testing. Allele origin: germline. Affected: no. Study: CSER-NextGen. Not counted in ClinVar's aggregate classification.
Comment: he c.2588G>C (p.Gly863Ala) missense variant has been reported in several individuals with Stargardt disease (Maugeri A et al., 1999) as well as advanced cone and rod dysfunction (Gerth et al. 2002). It has been seen in trans with other known pathogenic variants in the ABCA4 gene of affected individuals (Heathfield L et al. 2013). In addition, in vitro studies showed that the function of this variant is highly attenuated (Biswas-Fiss et al. 2012). The frequency of this variant in the population databases is lower than the disease allele frequency for the disease and the ancestral amino acid is conserved throughout evolution. Together, the c.2588G>C (p.Gly863Ala) missense variant meets our criteria for Likely Pathogenic

Ambry Genetics
Classification: Pathogenic for Inborn genetic diseases. Last evaluated: 2014-09-11. Review status: criteria provided, single submitter. Criteria: Ambry Variant Classification Scheme 2023. Collection method: clinical testing. Allele origin: germline. Not counted in ClinVar's aggregate classification.
Comment: The c.2588G>C (p.G863A) alteration is located in exon 17 (coding exon 17) of the ABCA4 gene. This alteration results from a G to C substitution at nucleotide position 2588, causing the glycine (G) at amino acid position 863 to be replaced by an alanine (A). The heterozygous missense change is somewhat rare in population databases:_x000D_ Based on data from the NHLBI Exome Sequencing Project (ESP), the ABCA4 c.2588G>C alteration was observed in 68 among 13006 total alleles studied (0.52%). The alteration was observed in the 1000 Genomes Project in 1 among 2098 total alleles studied (0.05%). Based on data from the Genome Aggregation Database (gnomAD), the c.2588G>C alteration was observed among 0.43% (1202/276994) of total alleles studied, having been observed in 0.79% (998/126588) European (non-Finnish) alleles. Rare missense alleles commonly exhibit a deleterious effect on protein function (Kryukov, 2007; Tennessen, 2012; please note that some variants may appear to be rare due to ethnic underrepresentation in the database)._x000D_ _x000D_ IF USED, PULL THESE INTO REFERENCES:_x000D_ Kryukov GV, et al. (2007) Am J Hum Genet 80:727-739. Tennessen JA, et al. (2012) Science 337(64):64-69. The alteration has been observed in affected individuals: _x000D_ The c.2588G>C alteration has been observed in multiple individuals with retinal dystrophy (Maugeri. 2002). It one of the highest frequency autosomal recessive disease mutation in European populations (Maugeri. 2002). The alteration is conserved throughout evolution:_x000D_ The p.G863 amino acid is completetly conserved in available vertebrate species. Functional analysis reveals a damaging effect of the amino acid alteration: _x000D_ Functional analysis demonstrated that the p.G863A alteration significantly decreased the rates of nucleotide hydrolysis as well as the binding affinities of the protein (Su&aacute;rez, 2002) In silico prediction is conflicting:_x000D_ The p.G863A alteration is predicted to be benign by Polyphen and deleterious by SIFT in silico analyses. Based on the available evidence, this alteration is classified as pathogenic.

Clinical Genetics Laboratory, University Hospital Schleswig-Holstein
Classification: Likely pathogenic for Age related macular degeneration 2. Last evaluated: 2021-10-04. Review status: no assertion criteria provided. Collection method: clinical testing. Allele origin: germline. Affected: yes. Not counted in ClinVar's aggregate classification.

Sharon lab, Hadassah-Hebrew University Medical Center
Classification: Likely pathogenic for Retinitis pigmentosa. Last evaluated: 2019-06-23. Review status: no assertion criteria provided. Collection method: research. Allele origin: inherited. Affected: yes. Not counted in ClinVar's aggregate classification.

Department of Clinical Genetics, Copenhagen University Hospital, Rigshospitalet
Classification: Pathogenic for Stargardt disease. Last evaluated: 2018-04-01. Review status: no assertion criteria provided. Collection method: research. Allele origin: unknown. Affected: yes. Study: VeluxRD. Not counted in ClinVar's aggregate classification.

Department of Clinical Genetics, Copenhagen University Hospital, Rigshospitalet
Classification: Pathogenic for Retinitis pigmentosa. Last evaluated: 2018-04-01. Review status: no assertion criteria provided. Collection method: research. Allele origin: unknown. Affected: yes. Study: VeluxRD. Not counted in ClinVar's aggregate classification.

Department of Clinical Genetics, Copenhagen University Hospital, Rigshospitalet
Classification: Pathogenic for Cone-rod dystrophy. Last evaluated: 2018-04-01. Review status: no assertion criteria provided. Collection method: research. Allele origin: unknown. Affected: yes. Study: VeluxRD. Not counted in ClinVar's aggregate classification.

Department of Clinical Genetics, Copenhagen University Hospital, Rigshospitalet
Classification: Pathogenic for Retinal dystrophy. Last evaluated: 2018-04-01. Review status: no assertion criteria provided. Collection method: research. Allele origin: unknown. Affected: yes. Study: VeluxRD. Not counted in ClinVar's aggregate classification.

NIHR Bioresource Rare Diseases, University of Cambridge
Classification: Likely pathogenic for Retinal dystrophy. Last evaluated: 2015-01-01. Review status: no assertion criteria provided. Collection method: research. Allele origin: unknown. Affected: yes. Observed: 2 variant alleles. Not counted in ClinVar's aggregate classification.

NIHR Bioresource Rare Diseases, University of Cambridge
Classification: Likely pathogenic. Last evaluated: 2015-01-01. Review status: no assertion criteria provided. Collection method: research. Allele origin: unknown. Affected: yes. Observed: 2 variant alleles. Not counted in ClinVar's aggregate classification.

OMIM
Classification: Pathogenic for STARGARDT DISEASE 1. Last evaluated: 2008-07-01. Review status: no assertion criteria provided. Collection method: literature only. Allele origin: germline. Not counted in ClinVar's aggregate classification.

OMIM
Classification: Pathogenic for CONE-ROD DYSTROPHY 3. Last evaluated: 2008-07-01. Review status: no assertion criteria provided. Collection method: literature only. Allele origin: germline. Not counted in ClinVar's aggregate classification.

Clinical Genetics DNA and cytogenetics Diagnostics Lab, Erasmus MC, Erasmus Medical Center
Classification: Pathogenic. Review status: no assertion criteria provided. Collection method: clinical testing. Allele origin: germline. Affected: yes. Study: VKGL Data-share Consensus. Not counted in ClinVar's aggregate classification.

Clinical Genetics, Academic Medical Center
Classification: Likely pathogenic. Review status: no assertion criteria provided. Collection method: clinical testing. Allele origin: germline. Affected: yes. Study: VKGL Data-share Consensus. Not counted in ClinVar's aggregate classification.

Diagnostic Laboratory, Department of Genetics, University Medical Center Groningen
Classification: Likely pathogenic. Review status: no assertion criteria provided. Collection method: clinical testing. Allele origin: germline. Affected: yes. Study: VKGL Data-share Consensus. Not counted in ClinVar's aggregate classification.

Dr. Peter K. Rogan Lab, Western University
No classification provided (evidence only). Condition: Clear cell carcinoma of kidney. Review status: no classification provided. Collection method: in vitro. Allele origin: not applicable. Functional consequence: cryptic splice site, retained intron. Not counted in ClinVar's aggregate classification.

Dr. Peter K. Rogan Lab, Western University
No classification provided (evidence only). Condition: Familial cancer of breast. Review status: no classification provided. Collection method: in vitro. Allele origin: not applicable. Functional consequence: cryptic splice site, retained intron. Not counted in ClinVar's aggregate classification.

Dr. Peter K. Rogan Lab, Western University
No classification provided (evidence only). Condition: Uterine corpus endometrial carcinoma. Review status: no classification provided. Collection method: in vitro. Allele origin: not applicable. Functional consequence: cryptic splice site, retained intron. Not counted in ClinVar's aggregate classification.

Dr. Peter K. Rogan Lab, Western University
No classification provided (evidence only). Condition: Sarcoma. Review status: no classification provided. Collection method: in vitro. Allele origin: not applicable. Functional consequence: retained intron. Not counted in ClinVar's aggregate classification.

Dr. Peter K. Rogan Lab, Western University
No classification provided (evidence only). Condition: Hepatocellular carcinoma. Review status: no classification provided. Collection method: in vitro. Allele origin: not applicable. Functional consequence: retained intron. Not counted in ClinVar's aggregate classification.